The following is an entry in ClinVar:

ClinVar aggregate classification (germline): Uncertain significance (1 of 4 stars; one submission).

Allele frequency attached by ClinVar (database versions not stated): gnomAD exomes 0.00001; ExAC 0.00003.
gnomAD v4.1: 14 of 1,604,534 alleles (0.00087%); highest among the groups gnomAD compares: South Asian, 0.0022%; no homozygotes.

Submission:

Labcorp Genetics (formerly Invitae), Labcorp
Classification: Uncertain significance. Last evaluated: 2022-06-13. Review status: criteria provided, single submitter. Criteria: Invitae Variant Classification Sherloc (09022015). Collection method: clinical testing. Allele origin: germline.
Comment: In summary, the available evidence is currently insufficient to determine the role of this variant in disease. Therefore, it has been classified as a Variant of Uncertain Significance. Advanced modeling of protein sequence and biophysical properties (such as structural, functional, and spatial information, amino acid conservation, physicochemical variation, residue mobility, and thermodynamic stability) performed at Invitae indicates that this missense variant is not expected to disrupt CACNA1B protein function. This variant has not been reported in the literature in individuals affected with CACNA1B-related conditions. The frequency data for this variant in the population databases is considered unreliable, as metrics indicate poor data quality at this position in the gnomAD database. This sequence change replaces valine, which is neutral and non-polar, with isoleucine, which is neutral and non-polar, at codon 1094 of the CACNA1B protein (p.Val1094Ile).

NM_000718.4(CACNA1B):c.3280G>A (p.Val1094Ile)

Gene: CACNA1B (calcium voltage-gated channel subunit alpha1 B; plus strand). Cytogenetic location: 9q34.3.
Variant type: single nucleotide variant.
Coding change: c.3280G>A on transcript NM_000718.4 (MANE Select); coding-DNA position 3280, G replaced by A.
Protein change: p.Val1094Ile; replaces valine 1094 with isoleucine.
Molecular consequence: missense variant.
Genome position (GRCh38, 1-based): chr9:138,025,166, G>A. VCF-style: chr9-138025166-G-A. GRCh37 (hg19) VCF-style: chr9-140919618-G-A.
Other names: c.3280G>A, p.Val1094Ile (NM_001243812.2); short protein forms V1094I.
Identifiers: ClinVar variation 2173138 (VCV002173138.4), dbSNP rs756434498, ClinGen allele CA5376575.
Genomic context (GRCh38, chr9:138,025,166, plus strand): 5'-CCGAACACTATTGTACATATCCCAGTGATGCTGACGGGCCCTCTTGGGGAAGCCACGGTC[G>A]TTCCCAGTGAGTATCTCCCTGTGCCAGTGGGGCAGGGCCCATCTTGTGCAGGTCCAGCAA-3'
Protein context (NP_000709.1, residues 1084-1104): LTGPLGEATV[Val1094Ile]PSGNVDLESQ